The following is an entry in ClinVar:

ClinVar aggregate classification (germline): Uncertain significance (1 of 4 stars; one submission).

Allele frequency attached by ClinVar (database versions not stated): gnomAD exomes below 0.00001.
gnomAD v4.1: 1 of 1,608,766 alleles (0.000062%); highest among the groups gnomAD compares: Non-Finnish European, 0.000085%; no homozygotes.

Submission:

Labcorp Genetics (formerly Invitae), Labcorp
Classification: Uncertain significance. Last evaluated: 2024-03-11. Review status: criteria provided, single submitter. Criteria: Invitae Variant Classification Sherloc (09022015). Collection method: clinical testing. Allele origin: germline.
Comment: This sequence change replaces isoleucine, which is neutral and non-polar, with methionine, which is neutral and non-polar, at codon 405 of the MPDZ protein (p.Ile405Met). This variant is not present in population databases (gnomAD no frequency). This variant has not been reported in the literature in individuals affected with MPDZ-related conditions. ClinVar contains an entry for this variant (Variation ID: 1449105). An algorithm developed to predict the effect of missense changes on protein structure and function (PolyPhen-2) suggests that this variant is likely to be disruptive. In summary, the available evidence is currently insufficient to determine the role of this variant in disease. Therefore, it has been classified as a Variant of Uncertain Significance.

NM_001378778.1(MPDZ):c.1215C>G (p.Ile405Met)

Gene: MPDZ (multiple PDZ domain crumbs cell polarity complex component; minus strand). Cytogenetic location: 9p23.
Variant type: single nucleotide variant.
Coding change: c.1215C>G on transcript NM_001378778.1 (MANE Select); coding-DNA position 1215, C replaced by G.
Protein change: p.Ile405Met; replaces isoleucine 405 with methionine.
Molecular consequence: missense variant.
Genome position (GRCh38, 1-based): chr9:13,216,849, G>C on the plus strand (C>G on the coding strand, the complement: MPDZ is on the minus strand). VCF-style: chr9-13216849-G-C. GRCh37 (hg19) VCF-style: chr9-13216848-G-C.
Other names: c.1215C>G, p.Ile405Met (NM_001375421.1, NM_001375422.1, NM_001375423.1 and 14 more transcripts); short protein forms I405M.
Identifiers: ClinVar variation 1449105 (VCV001449105.6), dbSNP rs2136126857, ClinGen allele CA372944680.